The following is an entry in ClinVar:

NM_003896.4(ST3GAL5):c.40dup (p.Leu14fs)

Genes: ST3GAL5 (ST3 beta-galactoside alpha-2,3-sialyltransferase 5; minus strand), LOC129934236 (ATAC-STARR-seq lymphoblastoid silent region 11709; plus strand). Cytogenetic location: 2p11.2.
Variant type: Duplication.
Coding change: c.40dup on transcript NM_003896.4 (MANE Select); coding-DNA position 40, one base duplicated (C; older notation c.40dupC).
Protein change: p.Leu14fs; shifts the reading frame from leucine 14.
Molecular consequence: frameshift variant. On other transcripts: 5 prime UTR variant (6).
Genome position (GRCh38, 1-based): chr2:85,888,866, G duplicated on the plus strand (C on the coding strand, the reverse complement: ST3GAL5 is on the minus strand); the first of 4 consecutive G bases (chr2:85,888,866-85,888,869); duplicating any one gives the same sequence. VCF-style (leftmost placement, unchanged base first): chr2-85888865-A-AG. GRCh37 (hg19) VCF-style: chr2-86115988-A-AG.
Other names: c.-923dup (NM_001354223.2); c.-585dup (NM_001354224.2); c.-522dup (NM_001354226.2); c.-232dup (NM_001354227.2); c.-176dup (NM_001354229.2); c.-962dup (NM_001354233.2); c.40dup, p.Leu14fs (NM_001363847.1); short protein forms L14fs.
Identifiers: ClinVar variation 2765435 (VCV002765435.3), dbSNP rs1221431599, ClinGen allele CA2659896675.

ClinVar aggregate classification (germline): Pathogenic (1 of 4 stars; one submission).

Conditions:
GM3 synthase deficiency (SPDRS). Also called: AMISH INFANTILE EPILEPSY SYNDROME; SALT AND PEPPER MENTAL RETARDATION SYNDROME; SALT AND PEPPER DEVELOPMENTAL REGRESSION SYNDROME. Identifiers: Orphanet 171714, Orphanet 370933, MedGen C1836824, MONDO:0018274, OMIM 609056.

Submission:

Labcorp Genetics (formerly Invitae), Labcorp
Classification: Pathogenic for GM3 synthase deficiency. Last evaluated: 2023-10-04. Review status: criteria provided, single submitter. Criteria: Invitae Variant Classification Sherloc (09022015). Collection method: clinical testing. Allele origin: germline.
Comment: This sequence change creates a premature translational stop signal (p.Leu14Profs*19) in the ST3GAL5 gene. It is expected to result in an absent or disrupted protein product. Loss-of-function variants in ST3GAL5 are known to be pathogenic (PMID: 15502825, 22990144, 27232954). This variant is not present in population databases (gnomAD no frequency). This variant has not been reported in the literature in individuals affected with ST3GAL5-related conditions. For these reasons, this variant has been classified as Pathogenic.

Literature cited by the submitters: PubMed 15502825; PubMed 22990144; PubMed 27232954.